The following is an entry in ClinVar:

ClinVar aggregate classification (germline): Uncertain significance (1 of 4 stars; one submission).

Submission:

CeGaT Center for Human Genetics Tuebingen
Classification: Uncertain significance. Last evaluated: 2024-01-01. Review status: criteria provided, single submitter. Criteria: CeGaT Center For Human Genetics Tuebingen Variant Classification Criteria Version 2. Collection method: clinical testing. Allele origin: germline. Affected: yes. Observed: 1 variant allele.
Comment: TRIM24: PM2

NM_015905.3(TRIM24):c.787T>C (p.Phe263Leu)

Gene: TRIM24 (tripartite motif containing 24; plus strand). Cytogenetic location: 7q34.
Variant type: single nucleotide variant.
Coding change: c.787T>C on transcript NM_015905.3 (MANE Select); coding-DNA position 787, T replaced by C.
Protein change: p.Phe263Leu; replaces phenylalanine 263 with leucine.
Molecular consequence: missense variant.
Genome position (GRCh38, 1-based): chr7:138,525,263, T>C. VCF-style: chr7-138525263-T-C. GRCh37 (hg19) VCF-style: chr7-138210008-T-C.
Other names: c.787T>C, p.Phe263Leu (NM_003852.4); short protein forms F263L.
Identifiers: ClinVar variation 3026913 (VCV003026913.22), dbSNP rs2485450576, ClinGen allele CA369504344.